The following is an entry in ClinVar:

ClinVar aggregate classification (germline): Likely benign. Review status: criteria provided, multiple submitters, no conflicts (2 of 4 stars). 3 submissions from 3 submitters: Likely benign (3). Last evaluated 2026-04-21.

Conditions:
ABHD12-related disorder. Also called: ABHD12-related condition.

Allele frequency attached by ClinVar (database versions not stated): gnomAD 0.00002; TOPMed 0.00002.
gnomAD v4.1: 31 of 1,410,942 alleles (0.0022%); highest among the groups gnomAD compares: African/African-American, 0.003%; no homozygotes.

Submissions (3):

PreventionGenetics, part of Exact Sciences
Classification: Likely benign for ABHD12-related condition. Last evaluated: 2026-04-21. Review status: criteria provided, single submitter. Criteria: ACMG Guidelines, 2015. Collection method: clinical testing. Allele origin: germline.
Comment: This variant is classified as likely benign based on ACMG/AMP sequence variant interpretation guidelines (Richards et al. 2015 PMID: 25741868, with internal and published modifications).

CeGaT Center for Human Genetics Tuebingen
Classification: Likely benign. Last evaluated: 2025-10-01. Review status: criteria provided, single submitter. Criteria: CeGaT Center For Human Genetics Tuebingen Variant Classification Criteria Version 2. Collection method: clinical testing. Allele origin: germline. Affected: yes. Observed: 1 variant allele.
Comment: ABHD12: BP4, BP7

Labcorp Genetics (formerly Invitae), Labcorp
Classification: Likely benign. Last evaluated: 2024-10-31. Review status: criteria provided, single submitter. Criteria: Invitae Variant Classification Sherloc (09022015). Collection method: clinical testing. Allele origin: germline.

NM_001042472.3(ABHD12):c.15C>T (p.Thr5=)

Genes: ABHD12 (abhydrolase domain containing 12, lysophospholipase; minus strand), LOC130065586 (ATAC-STARR-seq lymphoblastoid silent region 12752; plus strand). Cytogenetic location: 20p11.21.
Variant type: single nucleotide variant.
Coding change: c.15C>T on transcript NM_001042472.3 (MANE Select); coding-DNA position 15, C replaced by T.
Protein change: p.Thr5=; no amino-acid change (threonine 5 retained).
Molecular consequence: synonymous variant.
Genome position (GRCh38, 1-based): chr20:25,390,689, G>A on the plus strand (C>T on the coding strand, the complement: ABHD12 is on the minus strand). VCF-style: chr20-25390689-G-A. GRCh37 (hg19) VCF-style: chr20-25371325-G-A.
Other names: c.15C>T (NM_001042472.2); c.15C>T, p.Thr5= (NM_015600.5).
Identifiers: ClinVar variation 1955295 (VCV001955295.12), dbSNP rs1226158462, ClinGen allele CA509882968.